The following is an entry in ClinVar:

NM_000419.5(ITGA2B):c.1139G>A (p.Gly380Asp)

Gene: ITGA2B (integrin subunit alpha 2b; minus strand). Cytogenetic location: 17q21.31.
Variant type: single nucleotide variant.
Coding change: c.1139G>A on transcript NM_000419.5 (MANE Select); coding-DNA position 1139, G replaced by A.
Protein change: p.Gly380Asp; replaces glycine 380 with aspartic acid.
Molecular consequence: missense variant.
Genome position (GRCh38, 1-based): chr17:44,383,564, C>T on the plus strand (G>A on the coding strand, the complement: ITGA2B is on the minus strand). VCF-style: chr17-44383564-C-T. GRCh37 (hg19) VCF-style: chr17-42460932-C-T.
Other names: NM_000419.5:c.1139G>A; short protein forms G380D.
Identifiers: ClinVar variation 1879046 (VCV001879046.8), dbSNP rs766006685, ClinGen allele CA8603217.

ClinVar aggregate classification (germline): Uncertain significance. Review status: reviewed by expert panel (3 of 4 stars). 3 submissions from 3 submitters: Uncertain significance (1). 2 of the submissions do not count toward it. Last evaluated 2024-04-16.

Conditions:
Platelet-type bleeding disorder 16 (BDPLT16). Also called: Bleeding disorder, platelet-type, 16, autosomal dominant. Identifiers: Orphanet 140957, MedGen C5442010, MONDO:0008552, OMIM 187800.
Glanzmann thrombasthenia 1 (GT1). Also called: GP IIb-IIIa COMPLEX DEFICIENCY; GLYCOPROTEIN COMPLEX IIb-IIIa DEFICIENCY; PLATELET FIBRINOGEN RECEPTOR DEFICIENCY; BLEEDING DISORDER, PLATELET-TYPE, 2. Identifiers: MedGen CN300358, MONDO:0031332, OMIM 273800.
Glanzmann thrombasthenia. Also called: THROMBASTHENIA OF GLANZMANN AND NAEGELI; PLATELET GLYCOPROTEIN IIb-IIIa DEFICIENCY; Thrombasthenia; Glanzmann's thrombasthenia. Identifiers: Orphanet 849, MedGen C0040015, MONDO:0100326.

Allele frequency attached by ClinVar (database versions not stated): gnomAD exomes below 0.00001; TOPMed below 0.00001.
gnomAD v4.1: 1 of 1,611,790 alleles (0.000062%); highest among the groups gnomAD compares: Non-Finnish European, 0.000085%; no homozygotes.

Submissions (3):

ClinGen Platelet Disorders Variant Curation Expert Panel, ClinGen
Classification: Uncertain significance for Glanzmann thrombasthenia. Last evaluated: 2024-04-16. Review status: reviewed by expert panel. Criteria: ClinGen Platelet ACMG Specifications v2-1. Collection method: curation. Allele origin: germline. Inheritance: Autosomal recessive inheritance.
Comment: The NM_000419.5:c.1139G>A variant in ITGA2B is a missense variant predicted to cause substitution of glycine by aspartic acid at amino acid 380 (p.Gly380Asp). At least one patient (Patient GM in PMID: 12083483) with this variant displayed mucocutaneous bleeding and impaired aggregation with all agonists except ristocetin, which is highly specific for Glanzmann thrombasthenia. Additionally, αIIbβ3 surface expression was reduced to <10% as measured by flow cytometry (PP4_Moderate). Although this variant was reported in heterozygosity in this individual (Patient GM in PMID: 12083483), PM3 was not applied at any level of strength because additional ITGA2B variants were also observed in the individual (c.2254C>G (p.Leu752Val) in homozygosity and c.2264G>C (p.Arg755Pro) in homozygosity). The highest gnomADv4.0 MAF is 0.000002858 (1/349874 alleles) in the European non-Finnish population (PM2_supporting). Furthermore, the computational predictor REVEL gives a score of 0.865, which is above the ClinGen Platelet Disorders VCEP threshold of >0.7 and predicts a damaging effect on function (PP3). In summary, this variant meets criteria to be classified as uncertain significance for autosomal recessive Glanzmann Thrombasthenia based on the ACMG/AMP criteria applied, as specified by the ClinGen PD-VCEP: PP4_Moderate, PM2_Supporting, PP3. (VCEP specifications version 2.1; date of approval 4/16/2024)

Clinical Genomics Laboratory, Washington University in St. Louis
Classification: Uncertain significance for Glanzmann thrombasthenia 1; Platelet-type bleeding disorder 16. Last evaluated: 2025-03-11. Review status: criteria provided, single submitter. Criteria: ACMG Guidelines, 2015. Collection method: clinical testing. Allele origin: germline. Not counted in ClinVar's aggregate classification.
Comment: The ITGA2B c.1139G>A (p.Gly380Asp) variant has been observed in an individual affected with Glanzmann thrombasthenia who also carried two additional ITGA2B homozygous variants (D‚ÄôAndrea G et al., PMID: 12083483). This variant is absent from the general population (gnomAD v.2.1.1), indicating it is not a common variant. Computational predictors indicate that the variant is damaging, evidence that correlates with impact to ITGA2B function. This variant has been classified in the ClinVar database by an expert panel as a variant of uncertain significance (ClinVar Variation ID: 1879046). Due to limited information, and based on ACMG/AMP guidelines for variant interpretation (Richards S et al., PMID: 25741868), the clinical significance of this variant is uncertain at this time.

Labcorp Genetics (formerly Invitae), Labcorp
Classification: Uncertain significance for Glanzmann thrombasthenia. Last evaluated: 2022-08-12. Review status: criteria provided, single submitter. Criteria: Invitae Variant Classification Sherloc (09022015). Collection method: clinical testing. Allele origin: germline. Not counted in ClinVar's aggregate classification.
Comment: This variant is not present in population databases (gnomAD no frequency). This sequence change replaces glycine, which is neutral and non-polar, with aspartic acid, which is acidic and polar, at codon 380 of the ITGA2B protein (p.Gly380Asp). This missense change has been observed in individual(s) with Glanzmann thrombasthenia (PMID: 12083483). This variant is also known as G349D. Algorithms developed to predict the effect of missense changes on protein structure and function (SIFT, PolyPhen-2, Align-GVGD) all suggest that this variant is likely to be disruptive. In summary, the available evidence is currently insufficient to determine the role of this variant in disease. Therefore, it has been classified as a Variant of Uncertain Significance.

Literature cited by the submitters: PubMed 12083483 (cited by Labcorp Genetics (formerly Invitae), Labcorp).